The following is an entry in ClinVar:

ClinVar aggregate classification (germline): Uncertain significance (1 of 4 stars; one submission).

Conditions:
Aicardi-Goutieres syndrome 2. Identifiers: Orphanet 51, MedGen C3489724, MONDO:0012429, OMIM 610181.

Allele frequency attached by ClinVar (database versions not stated): TOPMed below 0.00001.
gnomAD v4.1: 1 of 1,610,482 alleles (0.000062%); no homozygotes.

Submission:

Labcorp Genetics (formerly Invitae), Labcorp
Classification: Uncertain significance for Aicardi-Goutieres syndrome 2. Last evaluated: 2021-07-29. Review status: criteria provided, single submitter. Criteria: Invitae Variant Classification Sherloc (09022015). Collection method: clinical testing. Allele origin: germline.
Comment: In summary, the available evidence is currently insufficient to determine the role of this variant in disease. Therefore, it has been classified as a Variant of Uncertain Significance. Algorithms developed to predict the effect of missense changes on protein structure and function (SIFT, PolyPhen-2, Align-GVGD) all suggest that this variant is likely to be disruptive. This variant has not been reported in the literature in individuals affected with RNASEH2B-related conditions. This variant is not present in population databases (ExAC no frequency). This sequence change replaces glycine with valine at codon 83 of the RNASEH2B protein (p.Gly83Val). The glycine residue is highly conserved and there is a moderate physicochemical difference between glycine and valine.

NM_024570.4(RNASEH2B):c.248G>T (p.Gly83Val)

Gene: RNASEH2B (ribonuclease H2 subunit B; plus strand). Cytogenetic location: 13q14.3.
Variant type: single nucleotide variant.
Coding change: c.248G>T on transcript NM_024570.4 (MANE Select); coding-DNA position 248, G replaced by T.
Protein change: p.Gly83Val; replaces glycine 83 with valine.
Molecular consequence: missense variant.
Genome position (GRCh38, 1-based): chr13:50,930,686, G>T. VCF-style: chr13-50930686-G-T. GRCh37 (hg19) VCF-style: chr13-51504822-G-T.
Other names: c.248G>T, p.Gly83Val (NM_001142279.2); short protein forms G83V.
Identifiers: ClinVar variation 1429938 (VCV001429938.5), dbSNP rs1951668772, ClinGen allele CA388258928.